The following is an entry in ClinVar:

NM_001286715.1(AGTPBP1):c.5G>C (p.Arg2Pro)

Genes: AGTPBP1 (ATP/GTP binding carboxypeptidase 1; minus strand), LOC130001960 (ATAC-STARR-seq lymphoblastoid silent region 19988; plus strand). Cytogenetic location: 9q21.33.
Variant type: single nucleotide variant.
Coding change: c.5G>C on transcript NM_001286715.1; coding-DNA position 5, G replaced by C.
Protein change: p.Arg2Pro; replaces arginine 2 with proline.
Molecular consequence: missense variant.
Genome position (GRCh38, 1-based): chr9:85,741,958, C>G on the plus strand (G>C on the coding strand, the complement: AGTPBP1 is on the minus strand). VCF-style: chr9-85741958-C-G. GRCh37 (hg19) VCF-style: chr9-88356873-C-G.
Other names: c.5G>C, p.Arg2Pro (NM_001286717.1); short protein forms R2P.
Identifiers: ClinVar variation 4075555 (VCV004075555.1).

ClinVar aggregate classification (germline): Uncertain significance (1 of 4 stars; one submission).

Submission:

GeneDx
Classification: Uncertain significance. Last evaluated: 2025-02-11. Review status: criteria provided, single submitter. Criteria: GeneDx Variant Classification Process June 2021. Collection method: clinical testing. Allele origin: germline. Affected: yes.
Comment: Not observed at significant frequency in large population cohorts (gnomAD); In silico analysis supports that this missense variant has a deleterious effect on protein structure/function; Has not been previously published as pathogenic or benign to our knowledge